The following is an entry in ClinVar:

NM_020975.6(RET):c.1973A>G (p.His658Arg)

Gene: RET (ret proto-oncogene; plus strand). Cytogenetic location: 10q11.21.
Variant type: single nucleotide variant.
Coding change: c.1973A>G on transcript NM_020975.6 (MANE Select); coding-DNA position 1973, A replaced by G.
Protein change: p.His658Arg; replaces histidine 658 with arginine.
Molecular consequence: missense variant.
Genome position (GRCh38, 1-based): chr10:43,114,573, A>G. VCF-style: chr10-43114573-A-G. GRCh37 (hg19) VCF-style: chr10-43610021-A-G.
Other names: c.1973A>G, p.His658Arg (NM_001406760.1, NM_020629.2, NM_020630.7 and 4 more transcripts); c.1844A>G, p.His615Arg (NM_001406761.1, NM_001406762.1, NM_001406764.1); c.1685A>G, p.His562Arg (NM_001406766.1, NM_001406767.1, NM_001406770.1); c.1577A>G, p.His526Arg (NM_001406769.1, NM_001406772.1); c.1076A>G, p.His359Arg (NM_001406781.1, NM_001406782.1, NM_001406779.1 and 1 more transcripts); c.947A>G, p.His316Arg (NM_001406783.1, NM_001406786.1); c.983A>G, p.His328Arg (NM_001406784.1); c.956A>G, p.His319Arg (NM_001406785.1); and 7 more; short protein forms H658R, H404R, H263R, H526R, H359R, H512R, H562R, H316R.
Identifiers: ClinVar variation 575557 (VCV000575557.15), dbSNP rs1274484329, ClinGen allele CA376553048.

ClinVar aggregate classification (germline): Uncertain significance. Review status: criteria provided, multiple submitters, no conflicts (2 of 4 stars). 4 submissions from 4 submitters: Uncertain significance (4). Last evaluated 2025-09-23.

Conditions:
Pheochromocytoma. Also called: MAX-Related Hereditary Paraganglioma-Pheochromocytoma Syndrome. Identifiers: Orphanet 29072, MedGen C0031511, MONDO:0008233, OMIM 171300, HP:0002666.
Familial medullary thyroid carcinoma (MTC). Also called: Thyroid cancer, familial medullary; MTC, familial; Familial Medullary Thyroid Carcinoma (FMTC). Identifiers: Orphanet 653, Orphanet 99361, MedGen C1833921, MONDO:0007958, OMIM 155240.
Multiple endocrine neoplasia type 2B. Also called: Multiple endocrine neoplasia, type 3; MULTIPLE ENDOCRINE NEOPLASIA, TYPE IIB; MUCOSAL NEUROMA SYNDROME; MEN 2B; Multiple Endocrine Neoplasia Type 2B (MEN2B); MEN IIB. Identifiers: Orphanet 247709, Orphanet 653, MedGen C0025269, MeSH D018814, MONDO:0008082, OMIM 162300.
Multiple endocrine neoplasia type 2A. Also called: MULTIPLE ENDOCRINE NEOPLASIA, TYPE IIA; PTC SYNDROME; SIPPLE SYNDROME; MEN 2A; MEN-2A syndrome; Pheochromocytoma and amyloid producing medullary thyroid carcinoma. Identifiers: Orphanet 247698, Orphanet 653, MedGen C0025268, MeSH D018813, MONDO:0008234, OMIM 171400.
Hirschsprung disease, susceptibility to, 1 (HSCR1). Also called: RET-Related Hirschsprung Disease. Identifiers: Orphanet 388, MedGen C3888239, MONDO:0007723, OMIM 142623.
Multiple endocrine neoplasia, type 2 (MEN2). Identifiers: Orphanet 653, MedGen C4048306, MONDO:0019003. Disease mechanism: gain of function.
Hereditary cancer-predisposing syndrome. Also called: Neoplastic Syndromes, Hereditary; Hereditary Cancer Syndrome; Tumor predisposition; Hereditary neoplastic syndrome. Identifiers: Orphanet 140162, MedGen C0027672, MeSH D009386, MONDO:0015356.

Allele frequency attached by ClinVar (database versions not stated): gnomAD exomes below 0.00001; TOPMed below 0.00001; gnomAD 0.00001.
gnomAD v4.1: 4 of 1,611,246 alleles (0.00025%); highest among the groups gnomAD compares: Middle Eastern, 0.016%; no homozygotes.

Submissions (4):

Color Diagnostics, LLC DBA Color Health
Classification: Uncertain significance for Multiple endocrine neoplasia, type 2. Last evaluated: 2025-09-23. Review status: criteria provided, single submitter. Criteria: ACMG Guidelines, 2015. Collection method: clinical testing. Allele origin: germline.
Comment: This missense variant replaces histidine with arginine at codon 658 of the RET protein. CComputational predictions are inconclusive regarding the impact of this variant on protein structure and function. To our knowledge, functional studies have not been reported for this variant. This variant has been reported in an individual affected with sporadic medullary thyroid cancer who also has a deleterious RET missense covariant, p.Cys634Tyr (PMID: 34777782). This variant has been identified in 1/31038 chromosomes in the general population by the Genome Aggregation Database (gnomAD). The available evidence is insufficient to determine the role of this variant in disease conclusively. Therefore, this variant is classified as a Variant of Uncertain Significance.

Fulgent Genetics
Classification: Uncertain significance for Hirschsprung disease, susceptibility to, 1; Familial medullary thyroid carcinoma; Multiple endocrine neoplasia type 2B; Pheochromocytoma; Multiple endocrine neoplasia type 2A. Last evaluated: 2024-05-16. Review status: criteria provided, single submitter. Criteria: ACMG Guidelines, 2015. Collection method: clinical testing. Allele origin: germline.

Ambry Genetics
Classification: Uncertain significance for Hereditary cancer-predisposing syndrome. Last evaluated: 2023-06-21. Review status: criteria provided, single submitter. Criteria: Ambry Variant Classification Scheme 2023. Collection method: clinical testing. Allele origin: germline.
Comment: The p.H658R variant (also known as c.1973A>G), located in coding exon 11 of the RET gene, results from an A to G substitution at nucleotide position 1973. The histidine at codon 658 is replaced by arginine, an amino acid with highly similar properties. This amino acid position is not well conserved in available vertebrate species. In addition, the in silico prediction for this alteration is inconclusive. Since supporting evidence is limited at this time, the clinical significance of this alteration remains unclear.

Labcorp Genetics (formerly Invitae), Labcorp
Classification: Uncertain significance for Multiple endocrine neoplasia, type 2. Last evaluated: 2022-11-18. Review status: criteria provided, single submitter. Criteria: Invitae Variant Classification Sherloc (09022015). Collection method: clinical testing. Allele origin: germline.
Comment: In summary, the available evidence is currently insufficient to determine the role of this variant in disease. Therefore, it has been classified as a Variant of Uncertain Significance. Algorithms developed to predict the effect of missense changes on protein structure and function output the following: SIFT: "Tolerated"; PolyPhen-2: "Benign"; Align-GVGD: "Class C0". The arginine amino acid residue is found in multiple mammalian species, which suggests that this missense change does not adversely affect protein function. ClinVar contains an entry for this variant (Variation ID: 575557). This variant has not been reported in the literature in individuals affected with RET-related conditions. This variant is present in population databases (no rsID available, gnomAD 0.01%). This sequence change replaces histidine, which is basic and polar, with arginine, which is basic and polar, at codon 658 of the RET protein (p.His658Arg).

Literature cited by the submitters: PubMed 34777782 (cited by Color Diagnostics, LLC DBA Color Health).